The following is an entry in ClinVar:

NM_000441.2(SLC26A4):c.1692del (p.Lys564fs)

Gene: SLC26A4 (solute carrier family 26 member 4; plus strand). Cytogenetic location: 7q22.3.
Variant type: Deletion.
Coding change: c.1692del on transcript NM_000441.2 (MANE Select); coding-DNA position 1692, one base deleted (A; older notation c.1692delA).
Protein change: p.Lys564fs; shifts the reading frame from lysine 564.
Molecular consequence: frameshift variant.
Genome position (GRCh38, 1-based): chr7:107,700,160, A deleted; the last of 6 consecutive A bases (chr7:107,700,155-107,700,160); deleting any one gives the same sequence. VCF-style (leftmost placement, unchanged base first): chr7-107700154-TA-T. GRCh37 (hg19) VCF-style: chr7-107340599-TA-T.
Other names: c.1692delA (NM_000441.1); c.1692del (NM_000441.1); short protein forms K564fs.
Identifiers: ClinVar variation 642031 (VCV000642031.8), dbSNP rs746427774, ClinGen allele CA577030336.

ClinVar aggregate classification (germline): Pathogenic. Review status: criteria provided, multiple submitters, no conflicts (2 of 4 stars). 3 submissions from 3 submitters: Pathogenic (3). Last evaluated 2025-07-14.

Conditions:
Pendred syndrome (PDS). Also called: DEAFNESS WITH GOITER; THYROID DYSHORMONOGENESIS 2B; THYROID HORMONOGENESIS, GENETIC DEFECT IN, 2B; Pendred's syndrome; GOITER-DEAFNESS SYNDROME; HYPOTHYROIDISM, CONGENITAL, DUE TO DYSHORMONOGENESIS, 2B. Identifiers: Orphanet 705, MedGen C0271829, MONDO:0010134, OMIM 274600.

Submissions (3):

Myriad Genetics, Inc.
Classification: Pathogenic for Pendred syndrome. Last evaluated: 2025-07-14. Review status: criteria provided, single submitter. Criteria: Myriad Autosomal Dominant, Autosomal Recessive and X-Linked Classification Criteria (2023). Collection method: clinical testing. Allele origin: unknown.
Comment: NM_000441.1(SLC26A4):c.1692delA(K564Nfs*19) is a frameshift variant classified as pathogenic in the context of Pendred syndrome. K564Nfs*19 has been observed in cases with relevant disease (PMID: 19786220, 32447495). Relevant functional assessments of this variant are not available in the literature. K564Nfs*19 has been observed in referenced population frequency databases. In summary, NM_000441.1(SLC26A4):c.1692delA(K564Nfs*19) is a frameshift variant in a gene where loss of function is a known mechanism of disease, is predicted to disrupt protein function, and has been observed more frequently in cases with the relevant disease than in healthy populations. Please note: this variant was assessed in the context of healthy population screening.

Natera, Inc.
Classification: Pathogenic for Pendred syndrome. Last evaluated: 2024-12-20. Review status: criteria provided, single submitter. Criteria: Natera Variant Classification Schema (03/2026). Collection method: clinical testing. Allele origin: germline.
Comment: The c.1692del variant in SLC26A4 is a frameshift variant predicted to shift the reading frame beginning at codon 564 and leads to a stop codon 19 codons downstream. This variant is expected to result in nonsense mediated decay, truncation, or a dysfunctional protein product. This variant is rare in the general population with a frequency below the threshold expected for the associated phenotype(s). This variant has been observed in one or more individuals affected with the associated recessive disease, as either homozygous or compound heterozygous with a second variant (PMID: 32447495). Given the available evidence, this variant is classified as Pathogenic.

Labcorp Genetics (formerly Invitae), Labcorp
Classification: Pathogenic. Last evaluated: 2021-10-15. Review status: criteria provided, single submitter. Criteria: Invitae Variant Classification Sherloc (09022015). Collection method: clinical testing. Allele origin: germline.
Comment: This variant is not present in population databases (ExAC no frequency). This sequence change creates a premature translational stop signal (p.Lys564Asnfs*19) in the SLC26A4 gene. It is expected to result in an absent or disrupted protein product. Loss-of-function variants in SLC26A4 are known to be pathogenic (PMID: 16283880, 25394566, 26252218, 26445815). This premature translational stop signal has been observed in individual(s) with clinical features of Pendred syndrome (PMID: 19786220). For these reasons, this variant has been classified as Pathogenic. ClinVar contains an entry for this variant (Variation ID: 642031). This variant is also known as c.1687-1692delA.

Literature cited by the submitters: PubMed 19786220 (cited by Myriad Genetics, Inc. and Labcorp Genetics (formerly Invitae), Labcorp); PubMed 32447495 (cited by Myriad Genetics, Inc. and Natera, Inc.); PubMed 16283880 (cited by Labcorp Genetics (formerly Invitae), Labcorp); PubMed 25394566 (cited by Labcorp Genetics (formerly Invitae), Labcorp); PubMed 26252218 (cited by Labcorp Genetics (formerly Invitae), Labcorp); PubMed 26445815 (cited by Labcorp Genetics (formerly Invitae), Labcorp).